The following is an entry in ClinVar:

ClinVar aggregate classification (germline): Likely pathogenic. Review status: criteria provided, multiple submitters, no conflicts (2 of 4 stars). 5 submissions from 5 submitters: Likely pathogenic (5). Last evaluated 2025-09-11.

Conditions:
Cardiovascular phenotype. Identifiers: MedGen CN230736.
Autosomal recessive limb-girdle muscular dystrophy type 2J (LGMDR10). Also called: Limb-girdle muscular dystrophy, type 2J; MUSCULAR DYSTROPHY, LIMB-GIRDLE, AUTOSOMAL RECESSIVE 10. Identifiers: Orphanet 140922, MedGen C1837342, MONDO:0012127, OMIM 608807.
Dilated cardiomyopathy 1G (CMD1G). Identifiers: Orphanet 154, MedGen C1858763, MONDO:0011400, OMIM 604145.
Early-onset myopathy with fatal cardiomyopathy (CMYO5). Also called: Salih Myopathy; CONGENITAL MYOPATHY 5 WITH CARDIOMYOPATHY. Identifiers: Orphanet 289377, MedGen C2673677, MONDO:0012714, OMIM 611705. Disease mechanism: loss of function.
Hypertrophic cardiomyopathy 9. Also called: Familial hypertrophic cardiomyopathy 9. Identifiers: MedGen C1861065, MONDO:0013412, OMIM 613765.
Myopathy, myofibrillar, 9, with early respiratory failure (MFM9). Also called: Hereditary myopathy with early respiratory failure; Myopathy, distal, with early respiratory failure, autosomal dominant; MYOPATHY, PROXIMAL, WITH EARLY RESPIRATORY MUSCLE INVOLVEMENT; EDSTROM MYOPATHY. Identifiers: Orphanet 178464, Orphanet 34521, MedGen C1863599, MONDO:0011362, OMIM 603689.
Tibial muscular dystrophy (TMD). Also called: Tibial muscular dystrophy, tardive; Udd Distal Myopathy – Tibial Muscular Dystrophy; UDD MYOPATHY. Identifiers: Orphanet 609, MedGen C1838244, MONDO:0010870, OMIM 600334.

Allele frequency attached by ClinVar (database versions not stated): TOPMed below 0.00001; gnomAD exomes 0.00001.
gnomAD v4.1: 7 of 1,613,600 alleles (0.00043%); highest among the groups gnomAD compares: East Asian, 0.0045%; no homozygotes.

Submissions (5):

Ambry Genetics
Classification: Likely pathogenic for Cardiovascular phenotype. Last evaluated: 2025-09-11. Review status: criteria provided, single submitter. Criteria: Ambry Variant Classification Scheme 2023. Collection method: clinical testing. Allele origin: germline.
Comment: The p.R25820* variant (also known as c.77458C>T), located in coding exon 185 of the TTN gene, results from a C to T substitution at nucleotide position 77458. This changes the amino acid from an arginine to a stop codon within coding exon 185. This exon is located in the M-band region of the N2-B isoform of the titin protein and is constitutively expressed in TTN transcripts (percent spliced in or PSI 100%). This variant was reported in individual(s) with features consistent with dilated cardiomyopathy (Bourfiss M et al. Circ Genom Precis Med, 2022 Dec;15:e003704). This variant is expected to result in loss of function by premature protein truncation or nonsense-mediated mRNA decay. While truncating variants in TTN are present in 1-3% of the general population, truncating variants in the M-band have been reported in association with autosomal recessive titinopathies, primarily presenting with skeletal myopathy phenotypes (Ceyhan-Birsoy O et al. Neurology. 2013 Oct 1;81(14):1205-14; De Cid R et al. Neurology. 2015;85(24):2126-35). Truncating variants in coding exon 185 of the M-band of the N2-B isoform have also been specifically associated with autosomal dominant dilated cardiomyopathy (Vatta M et al. Circ GenomPrecis Med. 2025 Feb:e004982). More generally, TTN truncating variants encoded in constitutive exons (PSI >90%) have been found to be significantly associated with dilated cardiomyopathy (DCM) regardless of their position, although truncating variants in the A-band are the most common cause of DCM (Herman DS et al. N. Engl. J. Med., 2012 Feb;366:619-28; Roberts AM et al. Sci Transl Med, 2015 Jan;7:270ra6; Schafer S et al. Nat. Genet., 2017 01;49:46-53; Akhtar MM et al. Circ Heart Fail, 2020 Oct;13:e006832; Massier M et al. Clin Genet, 2025 Jan). Based on the majority of available evidence to date, this variant is likely to be pathogenic.

Labcorp Genetics (formerly Invitae), Labcorp
Classification: Likely pathogenic for Dilated cardiomyopathy 1G; Autosomal recessive limb-girdle muscular dystrophy type 2J. Last evaluated: 2025-07-01. Review status: criteria provided, single submitter. Criteria: Invitae Variant Classification Sherloc (09022015). Collection method: clinical testing. Allele origin: germline.
Comment: This sequence change creates a premature translational stop signal (p.Arg34885*) in the TTN gene. While this is not anticipated to result in nonsense mediated decay, it is expected to create a truncated TTN protein. This variant is not present in population databases (gnomAD no frequency). This premature translational stop signal has been observed in individual(s) with dilated cardiomyopathy (PMID: 36264615). ClinVar contains an entry for this variant (Variation ID: 372824). This variant is located in the M band of TTN (PMID: 25589632). Truncating variants in this region have been previously reported in individuals affected with autosomal dominant or autosomal recessive myopathy and muscular dystrophy (PMID: 18948003, 23975875, 24395473). Truncating variants in this region have also been identified in individuals affected with autosomal dominant dilated cardiomyopathy and/or cardio-related conditions (PMID: 27869827, 32964742, internal data). In summary, the currently available evidence indicates that the variant is pathogenic, but additional data are needed to prove that conclusively. Therefore, this variant has been classified as Likely Pathogenic.

AiLife Diagnostics
Classification: Likely pathogenic. Last evaluated: 2020-06-15. Review status: criteria provided, single submitter. Criteria: ACMG Guidelines, 2015. Collection method: clinical testing. Allele origin: germline. Affected: yes. Observed: 1 variant allele.

GeneDx
Classification: Likely pathogenic. Last evaluated: 2016-07-01. Review status: criteria provided, single submitter. Criteria: GeneDx Variant Classification (06012015). Collection method: clinical testing. Allele origin: germline. Affected: yes.
Comment: The R33244X likely pathogenic variant in the TTN gene has not been reported previously as a pathogenic variant oras a benign variant, to our knowledge. R33244X is expected to cause either an abnormal, truncated protein product orloss of protein through nonsense-mediated mRNA decay. The majority of truncating pathogenic variants reported inassociation with autosomal dominant dilated cardiomyopathy (DCM) are in the A-band region of titin, whiletruncating variants in the M-band, where this variant occurs, are typically associated with autosomal recessive skeletalmyopathy (Herman et al., 2012). Furthermore, other truncating TTN variants have been reported in approximately3% of control alleles (Herman et al., 2012).Therefore, the R33244X variant is likely pathogenic.

Juno Genomics, Hangzhou Juno Genomics, Inc
Classification: Likely pathogenic for Early-onset myopathy with fatal cardiomyopathy; Dilated cardiomyopathy 1G; Hypertrophic cardiomyopathy 9; Autosomal recessive limb-girdle muscular dystrophy type 2J; Myopathy, myofibrillar, 9, with early respiratory failure; Tibial muscular dystrophy. Review status: criteria provided, single submitter. Criteria: ACMG Guidelines, 2015. Collection method: clinical testing. Allele origin: germline.
Comment: Absent from controls (or at extremely low frequency if recessive) in Genome Aggregation Database.;Null variant in a gene where loss of function (LOF) is a known mechanism of disease.

Literature cited by the submitters: PubMed 36264615 (cited by Ambry Genetics and Labcorp Genetics (formerly Invitae), Labcorp); PubMed 25589632 (cited by Labcorp Genetics (formerly Invitae), Labcorp); PubMed 18948003 (cited by Labcorp Genetics (formerly Invitae), Labcorp); PubMed 23975875 (cited by Labcorp Genetics (formerly Invitae), Labcorp); PubMed 24395473 (cited by Labcorp Genetics (formerly Invitae), Labcorp); PubMed 27869827 (cited by Labcorp Genetics (formerly Invitae), Labcorp); PubMed 32964742 (cited by Labcorp Genetics (formerly Invitae), Labcorp).

NM_001267550.2(TTN):c.104653C>T (p.Arg34885Ter)

Genes: TTN (titin; minus strand), TTN-AS1 (TTN antisense RNA 1; plus strand). Cytogenetic location: 2q31.2.
Variant type: single nucleotide variant.
Coding change: c.104653C>T on transcript NM_001267550.2 (MANE Select); coding-DNA position 104653, C replaced by T.
Protein change: p.Arg34885Ter; replaces arginine 34885 with a stop codon.
Molecular consequence: nonsense.
Genome position (GRCh38, 1-based): chr2:178,531,962, G>A on the plus strand (C>T on the coding strand, the complement: TTN is on the minus strand). VCF-style: chr2-178531962-G-A. GRCh37 (hg19) VCF-style: chr2-179396689-G-A.
Other names: c.99730C>T, p.Arg33244Ter (NM_001256850.1); c.77458C>T, p.Arg25820Ter (NM_003319.4); c.96949C>T, p.Arg32317Ter (NM_133378.4); c.77833C>T, p.Arg25945Ter (NM_133432.3); c.78034C>T, p.Arg26012Ter (NM_133437.4); short protein forms R33244*, R34885*, R26012*, R25945*, R32317*, R25820*.
Identifiers: ClinVar variation 372824 (VCV000372824.17), dbSNP rs1057518003, ClinGen allele CA16042411.